The following is an entry in ClinVar:

ClinVar aggregate classification (germline): Uncertain significance (1 of 4 stars; one submission).

Allele frequency attached by ClinVar (database versions not stated): ExAC 0.00002.
gnomAD v4.1: 20 of 1,509,054 alleles (0.0013%); highest among the groups gnomAD compares: Non-Finnish European, 0.0017%; no homozygotes.

Submission:

GeneDx
Classification: Uncertain significance. Last evaluated: 2023-04-27. Review status: criteria provided, single submitter. Criteria: GeneDx Variant Classification Process June 2021. Collection method: clinical testing. Allele origin: germline. Affected: yes.
Comment: Not observed at significant frequency in large population cohorts (gnomAD); Missense variant in a gene in which most reported pathogenic variants are truncating/loss of function; Located in a region of TTN within the I-band in which the majority of loss of function variants are significantly associated with autosomal dominant titinopathies (Deo et al., 2016; Schafer et al., 2017); Has not been previously published as pathogenic or benign to our knowledge

NM_001267550.2(TTN):c.14086A>C (p.Lys4696Gln)

Gene: TTN (titin; minus strand). Cytogenetic location: 2q31.2.
Variant type: single nucleotide variant.
Coding change: c.14086A>C on transcript NM_001267550.2 (MANE Select); coding-DNA position 14086, A replaced by C.
Protein change: p.Lys4696Gln; replaces lysine 4696 with glutamine.
Molecular consequence: missense variant. On other transcripts: intron variant (1).
Genome position (GRCh38, 1-based): chr2:178,739,147, T>G on the plus strand (A>C on the coding strand, the complement: TTN is on the minus strand). VCF-style: chr2-178739147-T-G. GRCh37 (hg19) VCF-style: chr2-179603874-T-G.
Other names: c.13135A>C, p.Lys4379Gln (NM_001256850.1); c.12997A>C, p.Lys4333Gln (NM_003319.4); c.13372A>C, p.Lys4458Gln (NM_133432.3); c.13573A>C, p.Lys4525Gln (NM_133437.4); c.10361-787A>C (NM_133378.4); short protein forms K4333Q, K4379Q, K4458Q, K4525Q, K4696Q.
Identifiers: ClinVar variation 3252596 (VCV003252596.1), dbSNP rs779252244.